The following is an entry in ClinVar:

NM_003632.3(CNTNAP1):c.3581T>C (p.Ile1194Thr)

Gene: CNTNAP1 (contactin associated protein 1; plus strand). Cytogenetic location: 17q21.2.
Variant type: single nucleotide variant.
Coding change: c.3581T>C on transcript NM_003632.3 (MANE Select); coding-DNA position 3581, T replaced by C.
Protein change: p.Ile1194Thr; replaces isoleucine 1194 with threonine.
Molecular consequence: missense variant.
Genome position (GRCh38, 1-based): chr17:42,697,566, T>C. VCF-style: chr17-42697566-T-C. GRCh37 (hg19) VCF-style: chr17-40849584-T-C.
Other names: short protein forms I1194T.
Identifiers: ClinVar variation 3767666 (VCV003767666.1).

ClinVar aggregate classification (germline): Uncertain significance (1 of 4 stars; one submission).

gnomAD v4.1: 13 of 1,613,906 alleles (0.00081%); highest among the groups gnomAD compares: Admixed American, 0.0033%; no homozygotes.

Submission:

GeneDx
Classification: Uncertain significance. Last evaluated: 2024-09-05. Review status: criteria provided, single submitter. Criteria: GeneDx Variant Classification Process June 2021. Collection method: clinical testing. Allele origin: germline. Affected: yes.
Comment: Not observed at significant frequency in large population cohorts (gnomAD); In silico analysis supports that this missense variant has a deleterious effect on protein structure/function; This variant is associated with the following publications: (PMID: 35982159, 35982160)